The following is an entry in ClinVar:

NM_021023.6(CFHR3):c.446C>T (p.Ser149Leu)

Gene: CFHR3 (complement factor H related 3; plus strand). Cytogenetic location: 1q31.3.
Variant type: single nucleotide variant.
Coding change: c.446C>T on transcript NM_021023.6 (MANE Select); coding-DNA position 446, C replaced by T.
Protein change: p.Ser149Leu; replaces serine 149 with leucine.
Molecular consequence: missense variant. On other transcripts: intron variant (1).
Genome position (GRCh38, 1-based): chr1:196,788,231, C>T. VCF-style: chr1-196788231-C-T. GRCh37 (hg19) VCF-style: chr1-196757361-C-T.
Other names: p.Ser149Leu; c.431-1814C>T (NM_001166624.2); short protein forms S149L.
Identifiers: ClinVar variation 3380317 (VCV003380317.1).

ClinVar aggregate classification (germline): Uncertain significance (1 of 4 stars; one submission).

Submission:

Mayo Clinic Laboratories, Mayo Clinic
Classification: Uncertain significance. Last evaluated: 2024-08-19. Review status: criteria provided, single submitter. Criteria: ACMG Guidelines, 2015. Collection method: clinical testing. Allele origin: germline. Observed: 2 variant alleles.
Comment: BP4